The following is an entry in ClinVar:

NM_006767.4(LZTR1):c.1083C>A (p.Ser361=)

Gene: LZTR1 (leucine zipper like post translational regulator 1; plus strand). Cytogenetic location: 22q11.21.
Variant type: single nucleotide variant.
Coding change: c.1083C>A on transcript NM_006767.4 (MANE Select); coding-DNA position 1083, C replaced by A.
Protein change: p.Ser361=; no amino-acid change (serine 361 retained).
Molecular consequence: synonymous variant.
Genome position (GRCh38, 1-based): chr22:20,992,303, C>A. VCF-style: chr22-20992303-C-A. GRCh37 (hg19) VCF-style: chr22-21346592-C-A.
Identifiers: ClinVar variation 1786938 (VCV001786938.4), dbSNP rs376591866, ClinGen allele CA513492270.

ClinVar aggregate classification (germline): Likely benign. Review status: criteria provided, single submitter (1 of 4 stars). 2 submissions from 2 submitters: Likely benign (1). 1 of the submissions does not count toward it. Last evaluated 2022-03-07.

Conditions:
Hereditary cancer-predisposing syndrome. Also called: Neoplastic Syndromes, Hereditary; Tumor predisposition; Hereditary Cancer Syndrome; Hereditary neoplastic syndrome. Identifiers: Orphanet 140162, MedGen C0027672, MeSH D009386, MONDO:0015356.
Cardiovascular phenotype. Identifiers: MedGen CN230736.
LZTR1-related disorder. Also called: LZTR1-related disorders; LZTR1-related condition.

gnomAD v4.1: 5 of 1,614,000 alleles (0.00031%); highest among the groups gnomAD compares: Non-Finnish European, 0.00042%; no homozygotes.

Submissions (2):

Ambry Genetics
Classification: Likely benign for Cardiovascular phenotype; Hereditary cancer-predisposing syndrome. Last evaluated: 2022-03-07. Review status: criteria provided, single submitter. Criteria: Ambry Variant Classification Scheme 2023. Collection method: clinical testing. Allele origin: germline.

PreventionGenetics, part of Exact Sciences
Classification: Likely benign for LZTR1-related condition. Last evaluated: 2020-09-18. Review status: no assertion criteria provided. Collection method: clinical testing. Allele origin: germline. Not counted in ClinVar's aggregate classification.
Comment: This variant is classified as likely benign based on ACMG/AMP sequence variant interpretation guidelines (Richards et al. 2015 PMID: 25741868, with internal and published modifications).